The following is an entry in ClinVar:

ClinVar aggregate classification (germline): Pathogenic. Review status: criteria provided, multiple submitters, no conflicts (2 of 4 stars). 2 submissions from 2 submitters: Pathogenic (2). Last evaluated 2023-04-24.

Conditions:
Familial adenomatous polyposis 1 (FAP1). Also called: FAMILIAL ADENOMATOUS POLYPOSIS 1, ATTENUATED; POLYPOSIS, ADENOMATOUS INTESTINAL. Identifiers: MedGen C2713442, MONDO:0021056, OMIM 175100. Disease mechanism: loss of function.

Submissions (2):

Myriad Genetics, Inc.
Classification: Pathogenic for Familial adenomatous polyposis 1. Last evaluated: 2023-04-24. Review status: criteria provided, single submitter. Criteria: Myriad Autosomal Dominant, Autosomal Recessive and X-Linked Classification Criteria (2023). Collection method: clinical testing. Allele origin: unknown.
Comment: This variant is considered pathogenic. This variant creates a frameshift predicted to result in premature protein truncation.

Labcorp Genetics (formerly Invitae), Labcorp
Classification: Pathogenic for Familial adenomatous polyposis 1. Last evaluated: 2021-05-04. Review status: criteria provided, single submitter. Criteria: Invitae Variant Classification Sherloc (09022015). Collection method: clinical testing. Allele origin: germline.
Comment: For these reasons, this variant has been classified as Pathogenic. This variant has not been reported in the literature in individuals with APC-related conditions. This variant is not present in population databases (ExAC no frequency). This sequence change creates a premature translational stop signal (p.Gln50Thrfs*6) in the APC gene. It is expected to result in an absent or disrupted protein product. Loss-of-function variants in APC are known to be pathogenic (PMID: 17963004, 20685668).

Literature cited by the submitters: PubMed 17963004 (cited by Labcorp Genetics (formerly Invitae), Labcorp); PubMed 20685668 (cited by Labcorp Genetics (formerly Invitae), Labcorp).

NM_000038.6(APC):c.148_149del (p.Gln50fs)

Gene: APC (APC regulator of Wnt signaling pathway; plus strand). Cytogenetic location: 5q22.2.
Variant type: Deletion.
Coding change: c.148_149del on transcript NM_000038.6 (MANE Select); coding-DNA positions 148 to 149, 2 bases deleted (CA; older notation c.148_149delCA).
Protein change: p.Gln50fs; shifts the reading frame from glutamine 50.
Molecular consequence: frameshift variant. On other transcripts: 5 prime UTR variant (4).
Genome position (GRCh38, 1-based): chr5:112,766,338-112,766,339, CA deleted; deleting any 2 consecutive bases within chr5:112,766,337-112,766,339 gives the same sequence; the c. name uses the placement nearest the transcript's 3' end. VCF-style (leftmost placement, unchanged base first): chr5-112766336-AAC-A. GRCh37 (hg19) VCF-style: chr5-112102033-AAC-A.
Other names: c.148_149del, p.Gln50fs (NM_001127510.3, NM_001354895.2, NM_001354896.2 and 2 more transcripts); c.178_179del, p.Gln60fs (NM_001127511.3, NM_001354897.2, NM_001354902.2); c.73_74del, p.Gln25fs (NM_001354898.2, NM_001354904.2); c.-30_-29del (NM_001354900.2, NM_001354901.2, NM_001354905.2); c.-888_-887del (NM_001354906.2); short protein forms Q50fs, Q25fs, Q60fs.
Identifiers: ClinVar variation 1439228 (VCV001439228.7), dbSNP rs2149783907, ClinGen allele CA2573138595.